The following is an entry in ClinVar:

ClinVar aggregate classification (germline): Uncertain significance (1 of 4 stars; one submission).

gnomAD v4.1: 1 of 1,601,056 alleles (0.000062%); highest among the groups gnomAD compares: Admixed American, 0.0017%; no homozygotes.

Submission:

GeneDx
Classification: Uncertain significance. Last evaluated: 2024-01-26. Review status: criteria provided, single submitter. Criteria: GeneDx Variant Classification Process June 2021. Collection method: clinical testing. Allele origin: germline. Affected: yes.
Comment: Not observed at significant frequency in large population cohorts (gnomAD); In silico analysis supports that this missense variant does not alter protein structure/function; Has not been previously published as pathogenic or benign to our knowledge

NM_018896.5(CACNA1G):c.6847C>G (p.Leu2283Val)

Gene: CACNA1G (calcium voltage-gated channel subunit alpha1 G; plus strand). Cytogenetic location: 17q21.33.
Variant type: single nucleotide variant.
Coding change: c.6847C>G on transcript NM_018896.5 (MANE Select); coding-DNA position 6847, C replaced by G.
Protein change: p.Leu2283Val; replaces leucine 2283 with valine.
Molecular consequence: missense variant. On other transcripts: non-coding transcript variant (5).
Genome position (GRCh38, 1-based): chr17:50,626,464, C>G. VCF-style: chr17-50626464-C-G. GRCh37 (hg19) VCF-style: chr17-48703825-C-G.
Other names: c.6658C>G, p.Leu2220Val (NM_001256324.2); c.6589C>G, p.Leu2197Val (NM_001256325.2); c.6577C>G, p.Leu2193Val (NM_001256326.2); c.6547C>G, p.Leu2183Val (NM_001256327.2); c.6493C>G, p.Leu2165Val (NM_001256328.2); c.6466C>G, p.Leu2156Val (NM_001256329.2, NM_198387.3); c.6433C>G, p.Leu2145Val (NM_001256330.2); c.6412C>G, p.Leu2138Val (NM_001256331.2); and 18 more; short protein forms L2077V, L2100V, L2111V, L2133V, L2138V, L2145V, L2149V, L2152V.
Identifiers: ClinVar variation 3368462 (VCV003368462.1).